The following is an entry in ClinVar:

ClinVar aggregate classification (germline): Pathogenic (1 of 4 stars; one submission).

Submission:

CeGaT Center for Human Genetics Tuebingen
Classification: Pathogenic. Last evaluated: 2022-10-01. Review status: criteria provided, single submitter. Criteria: CeGaT Center For Human Genetics Tuebingen Variant Classification Criteria Version 2. Collection method: clinical testing. Allele origin: germline. Affected: yes. Observed: 1 variant allele.
Comment: SYN1: PVS1, PM2

NM_006950.3(SYN1):c.691C>T (p.Gln231Ter)

Gene: SYN1 (synapsin I; minus strand). Cytogenetic location: Xp11.23.
Variant type: single nucleotide variant.
Coding change: c.691C>T on transcript NM_006950.3 (MANE Select); coding-DNA position 691, C replaced by T.
Protein change: p.Gln231Ter; replaces glutamine 231 with a stop codon.
Molecular consequence: nonsense.
Genome position (GRCh38, 1-based): chrX:47,605,061, G>A on the plus strand (C>T on the coding strand, the complement: SYN1 is on the minus strand). VCF-style: chrX-47605061-G-A. GRCh37 (hg19) VCF-style: chrX-47464460-G-A.
Other names: c.691C>T, p.Gln231Ter (NM_133499.2); short protein forms Q231*.
Identifiers: ClinVar variation 1879762 (VCV001879762.29), dbSNP rs2057892179, ClinGen allele CA412823814.